The following is an entry in ClinVar:

ClinVar aggregate classification (germline): Uncertain significance. Review status: criteria provided, multiple submitters, no conflicts (2 of 4 stars). 2 submissions from 2 submitters: Uncertain significance (2). Last evaluated 2025-12-10.

Allele frequency attached by ClinVar (database versions not stated): TOPMed below 0.00001.
gnomAD v4.1: 9 of 1,611,988 alleles (0.00056%); highest among the groups gnomAD compares: Admixed American, 0.0017%; no homozygotes.

Submissions (2):

Ambry Genetics
Classification: Uncertain significance. Last evaluated: 2025-12-10. Review status: criteria provided, single submitter. Criteria: Ambry Variant Classification Scheme 2023. Collection method: clinical testing. Allele origin: germline.

Labcorp Genetics (formerly Invitae), Labcorp
Classification: Uncertain significance. Last evaluated: 2025-12-08. Review status: criteria provided, single submitter. Criteria: Invitae Variant Classification Sherloc (09022015). Collection method: clinical testing. Allele origin: germline.
Comment: This sequence change replaces glutamic acid, which is acidic and polar, with lysine, which is basic and polar, at codon 373 of the RELB protein (p.Glu373Lys). This variant is present in population databases (no rsID available, gnomAD 0.003%). This variant has not been reported in the literature in individuals affected with RELB-related conditions. ClinVar contains an entry for this variant (Variation ID: 1951996). An algorithm developed to predict the effect of missense changes on protein structure and function (PolyPhen-2) suggests that this variant is likely to be disruptive. In summary, the available evidence is currently insufficient to determine the role of this variant in disease. Therefore, it has been classified as a Variant of Uncertain Significance.

NM_006509.4(RELB):c.1117G>A (p.Glu373Lys)

Gene: RELB (RELB proto-oncogene, NF-kB subunit; plus strand). Cytogenetic location: 19q13.32.
Variant type: single nucleotide variant.
Coding change: c.1117G>A on transcript NM_006509.4 (MANE Select); coding-DNA position 1117, G replaced by A.
Protein change: p.Glu373Lys; replaces glutamic acid 373 with lysine.
Molecular consequence: missense variant.
Genome position (GRCh38, 1-based): chr19:45,032,659, G>A. VCF-style: chr19-45032659-G-A. GRCh37 (hg19) VCF-style: chr19-45535917-G-A.
Other names: c.1108G>A, p.Glu370Lys (NM_001411087.1); c.1117G>A (NM_006509.3); short protein forms E370K, E373K.
Identifiers: ClinVar variation 1951996 (VCV001951996.6), dbSNP rs759228803, ClinGen allele CA406305358.